The following is an entry in ClinVar:

NM_000038.6(APC):c.1959-2A>T

Gene: APC (APC regulator of Wnt signaling pathway; plus strand). Cytogenetic location: 5q22.2.
Variant type: single nucleotide variant.
Coding change: c.1959-2A>T on transcript NM_000038.6 (MANE Select); the canonical splice acceptor site of the intron before coding-DNA position 1959, A replaced by T.
Molecular consequence: splice acceptor variant.
Genome position (GRCh38, 1-based): chr5:112,837,551, A>T. VCF-style: chr5-112837551-A-T. GRCh37 (hg19) VCF-style: chr5-112173248-A-T.
Other names: c.1110-2A>T (NM_001407470.1, NM_001354906.2); c.807-2A>T (NM_001407472.1, NM_001407471.1); c.2013-2A>T (NM_001407447.1, NM_001407448.1, NM_001407449.1 and 1 more transcripts); c.1959-2A>T (NM_001354895.2, NM_001407450.1, NM_001127510.3); c.1710-2A>T (NM_001407456.1, NM_001407457.1, NM_001407455.1 and 1 more transcripts); c.1656-2A>T (NM_001407460.1, NM_001407458.1, NM_001407459.1 and 1 more transcripts); c.1929-2A>T (NM_001407452.1); c.1572-2A>T (NM_001407469.1, NM_001407467.1); and 11 more.
Identifiers: ClinVar variation 1467155 (VCV001467155.7), dbSNP rs876658214, ClinGen allele CA360617491.
Genomic context (GRCh38, chr5:112,837,551, plus strand): 5'-TATTTGTTGTTACTGCATACACATTGTGACCTTAATTTTGTGATCTCTTGATTTTATTTC[A>T]GGCAAATCCTAAGAGAGAACAACTGTCTACAAACTTTATTACAACACTTAAAATCTCATA-3'

ClinVar aggregate classification (germline): Likely pathogenic. Review status: criteria provided, multiple submitters, no conflicts (2 of 4 stars). 2 submissions from 2 submitters: Likely pathogenic (2). Last evaluated 2026-01-13.

Conditions:
Familial adenomatous polyposis 1 (FAP1). Also called: FAMILIAL ADENOMATOUS POLYPOSIS 1, ATTENUATED; POLYPOSIS, ADENOMATOUS INTESTINAL. Identifiers: MedGen C2713442, MONDO:0021056, OMIM 175100. Disease mechanism: loss of function.

Submissions (2):

Myriad Genetics, Inc.
Classification: Likely pathogenic for Familial adenomatous polyposis 1. Last evaluated: 2026-01-13. Review status: criteria provided, single submitter. Criteria: Myriad Autosomal Dominant, Autosomal Recessive and X-Linked Classification Criteria (2023). Collection method: clinical testing. Allele origin: unknown.
Comment: This variant is considered likely pathogenic. This variant occurs within a consensus splice junction and is predicted to result in abnormal mRNA splicing of either an out-of-frame exon or an in-frame exon necessary for protein stability and/or normal function.

Labcorp Genetics (formerly Invitae), Labcorp
Classification: Likely pathogenic for Familial adenomatous polyposis 1. Last evaluated: 2022-07-06. Review status: criteria provided, single submitter. Criteria: Invitae Variant Classification Sherloc (09022015). Collection method: clinical testing. Allele origin: germline.
Comment: This sequence change affects an acceptor splice site in intron 15 of the APC gene. While this variant is not anticipated to result in nonsense mediated decay, it likely alters RNA splicing and results in a disrupted protein product. This variant is not present in population databases (gnomAD no frequency). Disruption of this splice site has been observed in individuals with familial adenomatous polyposis and attenuated familial adenomatous polyposis (PMID: 15459959, 20685668; Invitae). ClinVar contains an entry for this variant (Variation ID: 1467155). Variants that disrupt the consensus splice site are a relatively common cause of aberrant splicing (PMID: 17576681, 9536098). Algorithms developed to predict the effect of sequence changes on RNA splicing suggest that this variant may disrupt the consensus splice site. In summary, the currently available evidence indicates that the variant is pathogenic, but additional data are needed to prove that conclusively. Therefore, this variant has been classified as Likely Pathogenic.

Literature cited by the submitters: PubMed 15459959 (cited by Labcorp Genetics (formerly Invitae), Labcorp); PubMed 20685668 (cited by Labcorp Genetics (formerly Invitae), Labcorp); PubMed 17576681 (cited by Labcorp Genetics (formerly Invitae), Labcorp); PubMed 9536098 (cited by Labcorp Genetics (formerly Invitae), Labcorp).